The following is an entry in ClinVar:

ClinVar aggregate classification (germline): Uncertain significance (1 of 4 stars; one submission).

Submission:

Labcorp Genetics (formerly Invitae), Labcorp
Classification: Uncertain significance. Last evaluated: 2022-08-20. Review status: criteria provided, single submitter. Criteria: Invitae Variant Classification Sherloc (09022015). Collection method: clinical testing. Allele origin: germline.
Comment: This sequence change falls in intron 16 of the TUBGCP6 gene. It does not directly change the encoded amino acid sequence of the TUBGCP6 protein. It affects a nucleotide within the consensus splice site. This variant is not present in population databases (gnomAD no frequency). This variant has not been reported in the literature in individuals affected with TUBGCP6-related conditions. Variants that disrupt the consensus splice site are a relatively common cause of aberrant splicing (PMID: 17576681, 9536098). Algorithms developed to predict the effect of sequence changes on RNA splicing suggest that this variant is not likely to affect RNA splicing. In summary, the available evidence is currently insufficient to determine the role of this variant in disease. Therefore, it has been classified as a Variant of Uncertain Significance.

Literature cited by the submitters: PubMed 17576681; PubMed 9536098.

NM_020461.4(TUBGCP6):c.4109-3C>T

Gene: TUBGCP6 (tubulin gamma complex component 6; minus strand). Cytogenetic location: 22q13.33.
Variant type: single nucleotide variant.
Coding change: c.4109-3C>T on transcript NM_020461.4 (MANE Select); 3 bases into the intron before coding-DNA position 4109, C replaced by T.
Molecular consequence: intron variant.
Genome position (GRCh38, 1-based): chr22:50,220,018, G>A on the plus strand (C>T on the coding strand, the complement: TUBGCP6 is on the minus strand). VCF-style: chr22-50220018-G-A. GRCh37 (hg19) VCF-style: chr22-50658447-G-A.
Identifiers: ClinVar variation 2025168 (VCV002025168.1), dbSNP rs1262257679, ClinGen allele CA2410730021.